The following is an entry in ClinVar:

ClinVar aggregate classification (germline): Uncertain significance (1 of 4 stars; one submission).

gnomAD v4.1: 3 of 1,212,637 alleles (0.00025%); highest among the groups gnomAD compares: South Asian, 0.0035%; no homozygotes.

Submission:

GeneDx
Classification: Uncertain significance. Last evaluated: 2025-02-20. Review status: criteria provided, single submitter. Criteria: GeneDx Variant Classification Process June 2021. Collection method: clinical testing. Allele origin: germline. Affected: yes.
Comment: Apparently de novo hemizygous variant in a patient with complex congenital heart defect, congenital glaucoma, cerebral white matter disease in the published literature; however, further research is needed to clarify the relationship between these features and variants in BCOR (PMID: 26196063); In silico analysis indicates that this missense variant does not alter protein structure/function; This variant is associated with the following publications: (PMID: 36314054, 26196063)

NM_001123385.2(BCOR):c.1619G>A (p.Arg540Gln)

Gene: BCOR (BCL6 corepressor; minus strand). Cytogenetic location: Xp11.4.
Variant type: single nucleotide variant.
Coding change: c.1619G>A on transcript NM_001123385.2 (MANE Select); coding-DNA position 1619, G replaced by A.
Protein change: p.Arg540Gln; replaces arginine 540 with glutamine.
Molecular consequence: missense variant.
Genome position (GRCh38, 1-based): chrX:40,073,727, C>T on the plus strand (G>A on the coding strand, the complement: BCOR is on the minus strand). VCF-style: chrX-40073727-C-T. GRCh37 (hg19) VCF-style: chrX-39932980-C-T.
Other names: c.1619G>A, p.Arg540Gln (NM_001123383.2, NM_001123384.2, NM_001437510.1 and 4 more transcripts); short protein forms R540Q.
Identifiers: ClinVar variation 4076575 (VCV004076575.1).